The following is an entry in ClinVar:

NM_000512.5(GALNS):c.1319del (p.Leu440fs)

Gene: GALNS (galactosamine (N-acetyl)-6-sulfatase; minus strand). Cytogenetic location: 16q24.3.
Variant type: Deletion.
Coding change: c.1319del on transcript NM_000512.5 (MANE Select); coding-DNA position 1319, one base deleted (T; older notation c.1319delT).
Protein change: p.Leu440fs; shifts the reading frame from leucine 440.
Molecular consequence: frameshift variant.
Genome position (GRCh38, 1-based): chr16:88,822,634, A deleted on the plus strand (T on the coding strand, the reverse complement: GALNS is on the minus strand). VCF-style (leftmost placement, unchanged base first): chr16-88822633-CA-C. GRCh37 (hg19) VCF-style: chr16-88889041-CA-C.
Other names: c.764del, p.Leu255fs (NM_001323543.2); c.1337del, p.Leu446fs (NM_001323544.2); short protein forms L255fs, L440fs, L446fs.
Identifiers: ClinVar variation 1048502 (VCV001048502.10), dbSNP rs1567517083, ClinGen allele CA624210732.

ClinVar aggregate classification (germline): Pathogenic/Likely pathogenic. Review status: criteria provided, multiple submitters, no conflicts (2 of 4 stars). 5 submissions from 5 submitters: Pathogenic (3); Likely pathogenic (1). 1 of the submissions does not count toward it. Last evaluated 2025-06-25.

Conditions:
Mucopolysaccharidosis, MPS-IV-A (MPS4A). Also called: Mucopolysaccharidosis type IV A; MPS IVA; Mucopolysaccharidosis Type IVA; GALACTOSAMINE-6-SULFATASE DEFICIENCY; GALNS DEFICIENCY; Morquio syndrome A, mild. Identifiers: Orphanet 309297, Orphanet 582, MedGen C0086651, MONDO:0009659, OMIM 253000.
GALNS-related disorders.

Allele frequency attached by ClinVar (database versions not stated): gnomAD exomes below 0.00001 and 0.00001.

Submissions (5):

3billion
Classification: Pathogenic for Mucopolysaccharidosis, MPS-IV-A. Last evaluated: 2025-06-25. Review status: criteria provided, single submitter. Criteria: ACMG Guidelines, 2015. Collection method: clinical testing. Allele origin: germline. Affected: yes.
Comment: The variant is observed at an extremely low frequency in the gnomAD v4.1.0 dataset (total allele frequency: <0.001%). Predicted Consequence/Location: Frameshift: predicted to result in a loss or disruption of normal protein function through nonsense-mediated decay (NMD) or protein truncation. Multiple pathogenic variants are reported downstream of the variant. No sentences The variant has been reported at least twice as pathogenic with clinical assertions and evidence for the classification (ClinVar ID: VCV001048502 /PMID: 8844220). Therefore, this variant is classified as Pathogenic according to the recommendation of ACMG/AMP guideline.

Revvity Omics, Revvity
Classification: Pathogenic for Mucopolysaccharidosis, MPS-IV-A. Last evaluated: 2023-05-17. Review status: criteria provided, single submitter. Criteria: ACMG Guidelines, 2015. Collection method: clinical testing. Allele origin: germline.

Blueprint Genetics
Classification: Likely pathogenic for GALNS-related disorders. Last evaluated: 2021-07-15. Review status: criteria provided, single submitter. Criteria: ACMG Guidelines, 2015. Collection method: clinical testing. Allele origin: germline. Affected: yes. Observed: 2 variant alleles.

Laboratory of Diagnosis and Therapy of Lysosomal Disorders, University of Padova
Classification: Pathogenic for Mucopolysaccharidosis, MPS-IV-A. Last evaluated: 2021-02-01. Review status: criteria provided, single submitter. Criteria: ACMG Guidelines, 2015. Collection method: curation. Allele origin: germline. Affected: yes.
Comment: Frameshift variant (PVS1_strong); the prevalence of the variant in affected individuals is significantly increased compared with the prevalence in controls (PS4_strong); very low frequency in gnomAD v2.1.1 (PM2_moderate)

OMIM
Classification: Pathogenic for MUCOPOLYSACCHARIDOSIS, TYPE IVA. Last evaluated: 2003-07-01. Review status: no assertion criteria provided. Collection method: literature only. Allele origin: germline. Not counted in ClinVar's aggregate classification.

Literature cited by the submitters: PubMed 8844220 (cited by 3billion); PubMed 12721840 (cited by Laboratory of Diagnosis and Therapy of Lysosomal Disorders, University of Padova and OMIM); PubMed 16287098 (cited by Laboratory of Diagnosis and Therapy of Lysosomal Disorders, University of Padova); PubMed 24035930 (cited by Laboratory of Diagnosis and Therapy of Lysosomal Disorders, University of Padova); PubMed 24726177 (cited by Laboratory of Diagnosis and Therapy of Lysosomal Disorders, University of Padova); PubMed 7633425 (cited by Laboratory of Diagnosis and Therapy of Lysosomal Disorders, University of Padova); PubMed 34387910 (cited by Laboratory of Diagnosis and Therapy of Lysosomal Disorders, University of Padova).